The following is an entry in ClinVar:

NM_001184880.2(PCDH19):c.3092C>G (p.Pro1031Arg)

Gene: PCDH19 (protocadherin 19; minus strand). Cytogenetic location: Xq22.1.
Variant type: single nucleotide variant.
Coding change: c.3092C>G on transcript NM_001184880.2 (MANE Select); coding-DNA position 3092, C replaced by G.
Protein change: p.Pro1031Arg; replaces proline 1031 with arginine.
Molecular consequence: missense variant.
Genome position (GRCh38, 1-based): chrX:100,296,632, G>C on the plus strand (C>G on the coding strand, the complement: PCDH19 is on the minus strand). VCF-style: chrX-100296632-G-C. GRCh37 (hg19) VCF-style: chrX-99551630-G-C.
Other names: c.2951C>G, p.Pro984Arg (NM_001105243.2); c.2948C>G, p.Pro983Arg (NM_020766.3); short protein forms P1031R, P983R, P984R.
Identifiers: ClinVar variation 4801122 (VCV004801122.1).
Genomic context (GRCh38, chrX:100,296,632, plus strand): 5'-ACGCTGTTGACCTTGGGGCTGCAGATGGTCACATCGACAGTCCTCTTGCCTTTCAGGGTA[G>C]GCCTCTCCTCAGCCGGGTGGTCGCTGACATCTTTCCCAAAGGTTGCGAAAGTCCGTTTGG-3'
Protein context (NP_001171809.1, residues 1021-1041): DVSDHPAEER[Pro1031Arg]TLKGKRTVDV

ClinVar aggregate classification (germline): Uncertain significance (1 of 4 stars; one submission).

Conditions:
Developmental and epileptic encephalopathy, 9 (DEE9). Also called: Early infantile epileptic encephalopathy 9; EPILEPSY, FEMALE-RESTRICTED, WITH MENTAL RETARDATION; JUBERG-HELLMAN SYNDROME; PCDH19-Related X-Linked Female-Limited Epilepsy with Mental Retardation. Identifiers: Orphanet 101039, Orphanet 2076, MedGen C1848137, MONDO:0010246, OMIM 300088. Disease mechanism: loss of function.

Submission:

Labcorp Genetics (formerly Invitae), Labcorp
Classification: Uncertain significance for Developmental and epileptic encephalopathy, 9. Last evaluated: 2025-05-10. Review status: criteria provided, single submitter. Criteria: Invitae Variant Classification Sherloc (09022015). Collection method: clinical testing. Allele origin: germline.
Comment: This sequence change replaces proline, which is neutral and non-polar, with arginine, which is basic and polar, at codon 1031 of the PCDH19 protein (p.Pro1031Arg). This variant is not present in population databases (gnomAD no frequency). This variant has not been reported in the literature in individuals affected with PCDH19-related conditions. Invitae Evidence Modeling of protein sequence and biophysical properties (such as structural, functional, and spatial information, amino acid conservation, physicochemical variation, residue mobility, and thermodynamic stability) indicates that this missense variant is not expected to disrupt PCDH19 protein function with a negative predictive value of 95%. In summary, the available evidence is currently insufficient to determine the role of this variant in disease. Therefore, it has been classified as a Variant of Uncertain Significance.